The following is an entry in ClinVar:

ClinVar aggregate classification (germline): Uncertain significance (1 of 4 stars; one submission).

Conditions:
Hypertrophic cardiomyopathy. Also called: HYPERTROPHIC MYOCARDIOPATHY. Identifiers: Orphanet 217569, MedGen C0007194, MeSH D002312, MONDO:0005045, HP:0001639.

Submission:

Labcorp Genetics (formerly Invitae), Labcorp
Classification: Uncertain significance for Hypertrophic cardiomyopathy. Last evaluated: 2026-01-11. Review status: criteria provided, single submitter. Criteria: Invitae Variant Classification Sherloc (09022015). Collection method: clinical testing. Allele origin: germline.
Comment: This sequence change replaces lysine, which is basic and polar, with glutamic acid, which is acidic and polar, at codon 551 of the MYH7 protein (p.Lys551Glu). This variant is not present in population databases (gnomAD no frequency). This variant has not been reported in the literature in individuals affected with MYH7-related conditions. Invitae Evidence Modeling of protein sequence and biophysical properties (such as structural, functional, and spatial information, amino acid conservation, physicochemical variation, residue mobility, and thermodynamic stability) indicates that this missense variant is expected to disrupt MYH7 protein function with a positive predictive value of 95%. In summary, the available evidence is currently insufficient to determine the role of this variant in disease. Therefore, it has been classified as a Variant of Uncertain Significance.

NM_000257.4(MYH7):c.1651A>G (p.Lys551Glu)

Gene: MYH7 (myosin heavy chain 7; minus strand). Cytogenetic location: 14q11.2.
Variant type: single nucleotide variant.
Coding change: c.1651A>G on transcript NM_000257.4 (MANE Select); coding-DNA position 1651, A replaced by G.
Protein change: p.Lys551Glu; replaces lysine 551 with glutamic acid.
Molecular consequence: missense variant.
Genome position (GRCh38, 1-based): chr14:23,427,822, T>C on the plus strand (A>G on the coding strand, the complement: MYH7 is on the minus strand). VCF-style: chr14-23427822-T-C. GRCh37 (hg19) VCF-style: chr14-23897031-T-C.
Other names: c.1651A>G, p.Lys551Glu (NM_001407004.1); short protein forms K551E.
Identifiers: ClinVar variation 4801951 (VCV004801951.1).